The following is an entry in ClinVar:

ClinVar aggregate classification (germline): Uncertain significance (1 of 4 stars; one submission).

Allele frequency attached by ClinVar (database versions not stated): gnomAD 0.00001; TOPMed 0.00001.

Submission:

Labcorp Genetics (formerly Invitae), Labcorp
Classification: Uncertain significance. Last evaluated: 2021-12-01. Review status: criteria provided, single submitter. Criteria: Invitae Variant Classification Sherloc (09022015). Collection method: clinical testing. Allele origin: germline.
Comment: This sequence change replaces proline, which is neutral and non-polar, with serine, which is neutral and polar, at codon 138 of the CEP19 protein (p.Pro138Ser). In summary, the available evidence is currently insufficient to determine the role of this variant in disease. Therefore, it has been classified as a Variant of Uncertain Significance. Algorithms developed to predict the effect of missense changes on protein structure and function (SIFT, PolyPhen-2, Align-GVGD) all suggest that this variant is likely to be disruptive. This variant has not been reported in the literature in individuals affected with CEP19-related conditions. This variant is not present in population databases (gnomAD no frequency).

NM_032898.5(CEP19):c.400C>T (p.Pro134Ser)

Gene: CEP19 (centrosomal protein 19; minus strand). Cytogenetic location: 3q29.
Variant type: single nucleotide variant.
Coding change: c.400C>T on transcript NM_032898.5 (MANE Select); coding-DNA position 400, C replaced by T.
Protein change: p.Pro134Ser; replaces proline 134 with serine.
Molecular consequence: missense variant.
Genome position (GRCh38, 1-based): chr3:196,707,643, G>A on the plus strand (C>T on the coding strand, the complement: CEP19 is on the minus strand). VCF-style: chr3-196707643-G-A. GRCh37 (hg19) VCF-style: chr3-196434514-G-A.
Other names: c.295C>T, p.Pro99Ser (NM_001379468.1); c.400C>T, p.Pro134Ser (NM_001379469.1, NM_001379470.1); short protein forms P99S, P134S.
Identifiers: ClinVar variation 1432350 (VCV001432350.6), dbSNP rs1376541000, ClinGen allele CA355634091.